The following is an entry in ClinVar:

NM_033116.6(NEK9):c.424C>T (p.Arg142Cys)

Gene: NEK9 (NIMA related kinase 9; minus strand). Cytogenetic location: 14q24.3.
Variant type: single nucleotide variant.
Coding change: c.424C>T on transcript NM_033116.6 (MANE Select); coding-DNA position 424, C replaced by T.
Protein change: p.Arg142Cys; replaces arginine 142 with cysteine.
Molecular consequence: missense variant.
Genome position (GRCh38, 1-based): chr14:75,121,148, G>A on the plus strand (C>T on the coding strand, the complement: NEK9 is on the minus strand). VCF-style: chr14-75121148-G-A. GRCh37 (hg19) VCF-style: chr14-75587851-G-A.
Other names: c.424C>T, p.Arg142Cys (NM_001329237.2); c.70C>T, p.Arg24Cys (NM_001329238.2); short protein forms R24C, R142C.
Identifiers: ClinVar variation 5005346 (VCV005005346.2).

ClinVar aggregate classification (germline): Uncertain significance (1 of 4 stars; one submission).

Conditions:
NEK9-related lethal skeletal dysplasia. Also called: Lethal congenital contracture syndrome 10. Identifiers: Orphanet 464366, MedGen C5568141, MONDO:0014870, OMIM 617022.
Nevus comedonicus syndrome. Also called: Nevus comedonicus. Identifiers: Orphanet 64754, MedGen C0265987, MONDO:0014873, OMIM 617025, HP:0020154.
Arthrogryposis, Perthes disease, and upward gaze palsy. Identifiers: MedGen C3280309, MONDO:0013660, OMIM 614262.

gnomAD v4.1: 2 of 1,613,390 alleles (0.00012%); highest among the groups gnomAD compares: Admixed American, 0.0017%; no homozygotes.

Submission:

Juno Genomics, Hangzhou Juno Genomics, Inc
Classification: Uncertain significance for Arthrogryposis, Perthes disease, and upward gaze palsy; NEK9-related lethal skeletal dysplasia; Nevus comedonicus syndrome. Review status: criteria provided, single submitter. Criteria: ACMG Guidelines, 2015. Collection method: clinical testing. Allele origin: germline.
Comment: Absent from controls (or at extremely low frequency if recessive) in Genome Aggregation Database.;Multiple lines of computational evidence suggest no impact on gene or gene product.